The following is an entry in ClinVar:

ClinVar aggregate classification (germline): Pathogenic (1 of 4 stars; one submission).

Conditions:
Duchenne muscular dystrophy (DMD). Also called: Duchenne Muscular Dystrophy (DMD); MUSCULAR DYSTROPHY, PSEUDOHYPERTROPHIC PROGRESSIVE, DUCHENNE TYPE. Identifiers: Orphanet 98896, MedGen C0013264, MONDO:0010679, OMIM 310200.

Submission:

Labcorp Genetics (formerly Invitae), Labcorp
Classification: Pathogenic for Duchenne muscular dystrophy. Last evaluated: 2022-10-30. Review status: criteria provided, single submitter. Criteria: Invitae Variant Classification Sherloc (09022015). Collection method: clinical testing. Allele origin: germline.
Comment: This variant is a gross deletion of the genomic region encompassing exon(s) 13 of the DMD gene. This variant would be expected to be in-frame, preserving the integrity of the reading frame. A similar copy number variant has been observed in individuals with dystrophinopathy (PMID: 18353051, 22379338, 28116794, 28610567). For these reasons, this variant has been classified as Pathogenic.

Literature cited by the submitters: PubMed 18353051; PubMed 22379338; PubMed 28116794; PubMed 28610567.

NC_000023.11:g.(?_32595747)_(32595886_?)del

Gene: DMD (dystrophin; minus strand). Cytogenetic location: Xp21.1.
Variant type: Deletion.
Identifiers: ClinVar variation 831707 (VCV000831707.8).